The following is an entry in ClinVar:

ClinVar aggregate classification (germline): Uncertain significance (1 of 4 stars; one submission).

Conditions:
Cardiovascular phenotype. Identifiers: MedGen CN230736.

gnomAD v4.1: 2 of 1,614,086 alleles (0.00012%); highest among the groups gnomAD compares: Non-Finnish European, 0.00017%; no homozygotes.

Submission:

Ambry Genetics
Classification: Uncertain significance for Cardiovascular phenotype. Last evaluated: 2024-08-19. Review status: criteria provided, single submitter. Criteria: Ambry Variant Classification Scheme 2023. Collection method: clinical testing. Allele origin: germline.
Comment: The p.M581T variant (also known as c.1742T>C), located in coding exon 12 of the TRPM4 gene, results from a T to C substitution at nucleotide position 1742. The methionine at codon 581 is replaced by threonine, an amino acid with similar properties. This amino acid position is conserved. In addition, the in silico prediction for this alteration is inconclusive. Based on the available evidence, the clinical significance of this variant remains unclear.

NM_017636.4(TRPM4):c.1742T>C (p.Met581Thr)

Gene: TRPM4 (transient receptor potential cation channel subfamily M member 4; plus strand). Cytogenetic location: 19q13.33.
Variant type: single nucleotide variant.
Coding change: c.1742T>C on transcript NM_017636.4 (MANE Select); coding-DNA position 1742, T replaced by C.
Protein change: p.Met581Thr; replaces methionine 581 with threonine.
Molecular consequence: missense variant.
Genome position (GRCh38, 1-based): chr19:49,183,211, T>C. VCF-style: chr19-49183211-T-C. GRCh37 (hg19) VCF-style: chr19-49686468-T-C.
Other names: c.1742T>C, p.Met581Thr (NM_001195227.2); c.1397T>C, p.Met466Thr (NM_001321281.2); c.134T>C, p.Met45Thr (NM_001321282.2); c.1220T>C, p.Met407Thr (NM_001321283.2); c.680T>C, p.Met227Thr (NM_001321285.2); short protein forms M227T, M407T, M45T, M466T, M581T.
Identifiers: ClinVar variation 3462141 (VCV003462141.1).
Genomic context (GRCh38, chr19:49,183,211, plus strand): 5'-ACCTGCTTCTTTGGGCACTGTTGCTGAACAGGGCACAGATGGCCATGTACTTCTGGGAGA[T>C]GGTGAGTGCTGACTTGGCGCTCCTGCATCCCTGTCCTTTAGGCCACTGGATGCCAGTGTT-3'
Protein context (NP_060106.2, residues 571-591): RAQMAMYFWE[Met581Thr]GSNAVSSALG